The following is an entry in ClinVar:

ClinVar aggregate classification (germline): Uncertain significance (1 of 4 stars; one submission).
ClinVar aggregate classification (somatic clinical impact): Tier I - Strong (1 of 4 stars; one submission).

Conditions:
DICER1-related tumor predisposition. Also called: DICER1-related pleuropulmonary blastoma cancer predisposition syndrome; DICER1 syndrome. Identifiers: Orphanet 284343, MedGen C3839822, MONDO:0100216.
Sertoli-Leydig cell tumor. Identifiers: MedGen C0206723, MONDO:0002479.

Submissions (2):

Institute for Genomic Medicine (IGM) Clinical Laboratory, Nationwide Children's Hospital
Classification: Tier I - Strong for Sertoli-Leydig cell tumor. Assertion type: diagnostic. Clinical significance: supports diagnosis. Last evaluated: 2025-05-15. Review status: criteria provided, single submitter. Criteria: AMP/ASCO/CAP Guidelines, 2017. Collection method: clinical testing. Allele origin: somatic. Affected: yes.
Comment: Variant has Tier I (strong) clinical significance as a diagnostic inclusion criterion in Sertoli-Leydig cell tumor, based on the following evidence: 1) Appears in one or more well-established professional guidelines (e.g., World Health Organization [WHO]; National Comprehensive Cancer Network [NCCN]) as providing diagnostic, prognostic, or therapeutic information. 2) Diagnostic for a specific tumor type/classification based on well-powered studies with expert-level consensus (Evidence Level B). 3) Diagnostic significance based on multiple small studies (Evidence Level C; PMIDs: 22187960, 24136150, 26033501, 26428316, 28654427).

Labcorp Genetics (formerly Invitae), Labcorp
Classification: Uncertain significance for DICER1-related tumor predisposition. Last evaluated: 2020-05-21. Review status: criteria provided, single submitter. Criteria: Invitae Variant Classification Sherloc (09022015). Collection method: clinical testing. Allele origin: germline.
Comment: In summary, the available evidence is currently insufficient to determine the role of this variant in disease. Therefore, it has been classified as a Variant of Uncertain Significance. Algorithms developed to predict the effect of missense changes on protein structure and function (SIFT, PolyPhen-2, Align-GVGD) all suggest that this variant is likely to be disruptive, but these predictions have not been confirmed by published functional studies and their clinical significance is uncertain. This variant has not been reported in the literature in individuals with DICER1-related conditions. This variant is not present in population databases (ExAC no frequency). This sequence change replaces valine with phenylalanine at codon 1034 of the DICER1 protein (p.Val1034Phe). The valine residue is highly conserved and there is a small physicochemical difference between valine and phenylalanine.

Literature cited by the submitters: PubMed 22187960 (cited by Institute for Genomic Medicine (IGM) Clinical Laboratory, Nationwide Children's Hospital); PubMed 24136150 (cited by Institute for Genomic Medicine (IGM) Clinical Laboratory, Nationwide Children's Hospital); PubMed 26033501 (cited by Institute for Genomic Medicine (IGM) Clinical Laboratory, Nationwide Children's Hospital); PubMed 26428316 (cited by Institute for Genomic Medicine (IGM) Clinical Laboratory, Nationwide Children's Hospital); PubMed 28654427 (cited by Institute for Genomic Medicine (IGM) Clinical Laboratory, Nationwide Children's Hospital).

NM_177438.3(DICER1):c.3100G>T (p.Val1034Phe)

Gene: DICER1 (dicer 1, ribonuclease III; minus strand). Cytogenetic location: 14q32.13.
Variant type: single nucleotide variant.
Coding change: c.3100G>T on transcript NM_177438.3 (MANE Select); coding-DNA position 3100, G replaced by T.
Protein change: p.Val1034Phe; replaces valine 1034 with phenylalanine.
Molecular consequence: missense variant.
Genome position (GRCh38, 1-based): chr14:95,105,240, C>A on the plus strand (G>T on the coding strand, the complement: DICER1 is on the minus strand). VCF-style: chr14-95105240-C-A. GRCh37 (hg19) VCF-style: chr14-95571577-C-A.
Other names: c.3100G>T, p.Val1034Phe (NM_001195573.1, NM_001271282.3, NM_001291628.2 and 1 more transcripts); short protein forms V1034F.
Identifiers: ClinVar variation 1056001 (VCV001056001.11), dbSNP rs2139988527, ClinGen allele CA390876955.